The following is an entry in ClinVar:

ClinVar aggregate classification (germline): Uncertain significance (1 of 4 stars; one submission).

Submission:

Labcorp Genetics (formerly Invitae), Labcorp
Classification: Uncertain significance. Last evaluated: 2020-04-27. Review status: criteria provided, single submitter. Criteria: Invitae Variant Classification Sherloc (09022015). Collection method: clinical testing. Allele origin: germline.
Comment: This sequence change replaces aspartic acid with valine at codon 292 of the CTNNA1 protein (p.Asp292Val). The aspartic acid residue is highly conserved and there is a large physicochemical difference between aspartic acid and valine. This variant is not present in population databases (ExAC no frequency). This variant has not been reported in the literature in individuals with CTNNA1-related conditions. Algorithms developed to predict the effect of missense changes on protein structure and function are either unavailable or do not agree on the potential impact of this missense change (SIFT: "Deleterious"; PolyPhen-2: "Probably Damaging"; Align-GVGD: "Class C15"). In summary, the available evidence is currently insufficient to determine the role of this variant in disease. Therefore, it has been classified as a Variant of Uncertain Significance.

NM_001903.5(CTNNA1):c.875A>T (p.Asp292Val)

Gene: CTNNA1 (catenin alpha 1; plus strand). Cytogenetic location: 5q31.2.
Variant type: single nucleotide variant.
Coding change: c.875A>T on transcript NM_001903.5 (MANE Select); coding-DNA position 875, A replaced by T.
Protein change: p.Asp292Val; replaces aspartic acid 292 with valine.
Molecular consequence: missense variant.
Genome position (GRCh38, 1-based): chr5:138,827,531, A>T. VCF-style: chr5-138827531-A-T. GRCh37 (hg19) VCF-style: chr5-138163220-A-T.
Other names: c.875A>T, p.Asp292Val (NM_001290307.3, NM_001323982.2, NM_001323983.1 and 3 more transcripts); c.566A>T, p.Asp189Val (NM_001290309.3); c.506A>T, p.Asp169Val (NM_001290310.3); short protein forms D169V, D189V, D292V.
Identifiers: ClinVar variation 1006126 (VCV001006126.8), dbSNP rs1760843847, ClinGen allele CA361130675.
Genomic context (GRCh38, chr5:138,827,531, plus strand): 5'-GGAACAGAGATGAGTACTAACATTCGGTAATACTTTCTCTGCAGAAACAAATCATTGTGG[A>T]CCCCTTGAGCTTCAGCGAGGAGCGCTTTAGGCCTTCCCTGGAGGAGCGTCTGGAAAGCAT-3'
Protein context (NP_001894.2, residues 282-302): LNNFDKQIIV[Asp292Val]PLSFSEERFR